The following is an entry in ClinVar:

ClinVar aggregate classification (germline): Uncertain significance (1 of 4 stars; one submission).

Conditions:
Congenital disorder of deglycosylation (CDDG). Identifiers: MedGen C3808991, MONDO:0031376.

Allele frequency attached by ClinVar (database versions not stated): gnomAD exomes below 0.00001; TOPMed below 0.00001; gnomAD 0.00001.
gnomAD v4.1: 5 of 1,612,952 alleles (0.00031%); highest among the groups gnomAD compares: Non-Finnish European, 0.00034%; no homozygotes.

Submission:

Labcorp Genetics (formerly Invitae), Labcorp
Classification: Uncertain significance for Congenital disorder of deglycosylation. Last evaluated: 2022-06-14. Review status: criteria provided, single submitter. Criteria: Invitae Variant Classification Sherloc (09022015). Collection method: clinical testing. Allele origin: germline.
Comment: This sequence change replaces valine, which is neutral and non-polar, with isoleucine, which is neutral and non-polar, at codon 330 of the NGLY1 protein (p.Val330Ile). This variant is not present in population databases (gnomAD no frequency). This variant has not been reported in the literature in individuals affected with NGLY1-related conditions. Algorithms developed to predict the effect of missense changes on protein structure and function output the following: SIFT: "Tolerated"; PolyPhen-2: "Benign"; Align-GVGD: "Class C0". The isoleucine amino acid residue is found in multiple mammalian species, which suggests that this missense change does not adversely affect protein function. In summary, the available evidence is currently insufficient to determine the role of this variant in disease. Therefore, it has been classified as a Variant of Uncertain Significance.

NM_018297.4(NGLY1):c.988G>A (p.Val330Ile)

Gene: NGLY1 (N-glycanase 1; minus strand). Cytogenetic location: 3p24.2.
Variant type: single nucleotide variant.
Coding change: c.988G>A on transcript NM_018297.4 (MANE Select); coding-DNA position 988, G replaced by A.
Protein change: p.Val330Ile; replaces valine 330 with isoleucine.
Molecular consequence: missense variant.
Genome position (GRCh38, 1-based): chr3:25,737,349, C>T on the plus strand (G>A on the coding strand, the complement: NGLY1 is on the minus strand). VCF-style: chr3-25737349-C-T. GRCh37 (hg19) VCF-style: chr3-25778840-C-T.
Other names: c.988G>A, p.Val330Ile (NM_001145293.2, NM_001145295.2); c.862G>A, p.Val288Ile (NM_001145294.2); short protein forms V288I, V330I.
Identifiers: ClinVar variation 1488053 (VCV001488053.5), dbSNP rs1291397698, ClinGen allele CA351901824.